The following is an entry in ClinVar:

NM_001281740.3(FHOD3):c.3128G>A (p.Ser1043Asn)

Gene: FHOD3 (formin homology 2 domain containing 3; plus strand). Cytogenetic location: 18q12.2.
Variant type: single nucleotide variant.
Coding change: c.3128G>A on transcript NM_001281740.3 (MANE Select); coding-DNA position 3128, G replaced by A.
Protein change: p.Ser1043Asn; replaces serine 1043 with asparagine.
Molecular consequence: missense variant.
Genome position (GRCh38, 1-based): chr18:36,718,426, G>A. VCF-style: chr18-36718426-G-A. GRCh37 (hg19) VCF-style: chr18-34298389-G-A.
Other names: c.2552G>A, p.Ser851Asn (NM_001281739.3); c.2603G>A, p.Ser868Asn (NM_025135.5); short protein forms S1043N, S851N, S868N.
Identifiers: ClinVar variation 1698997 (VCV001698997.3), dbSNP rs971074535, ClinGen allele CA402214985.

ClinVar aggregate classification (germline): Uncertain significance (1 of 4 stars; one submission).

Conditions:
Cardiomyopathy, familial hypertrophic, 28. Identifiers: MedGen C5543616, MONDO:0030317, OMIM 619402.

Allele frequency attached by ClinVar (database versions not stated): gnomAD 0.00001.

Submission:

Victorian Clinical Genetics Services, Murdoch Childrens Research Institute
Classification: Uncertain significance for Cardiomyopathy, familial hypertrophic, 28. Last evaluated: 2022-02-02. Review status: criteria provided, single submitter. Criteria: ACMG Guidelines, 2015. Collection method: clinical testing. Allele origin: germline. Inheritance: Autosomal dominant inheritance. Affected: yes.
Comment: Based on the classification scheme VCGS_Germline_v1.3.4, this variant is classified as VUS-3C. Following criteria are met: 0105 - The mechanism of disease for this gene is not clearly established. However, dominant negative has been suggested for a single missense variant (PMID: 24088304). (I) 0107 - This gene is associated with autosomal dominant disease. (I) 0112 - The condition associated with this gene has incomplete penetrance (PMID: 30442288). (I) 0200 - Variant is predicted to result in a missense amino acid change from serine to asparagine. (I) 0251 - This variant is heterozygous. (I) 0302 - Variant is present in gnomAD (v3) <0.001 for a dominant condition (1 heterozygote, 0 homozygotes). (SP) 0309 - An alternative amino acid change at the same position has been observed in gnomAD (v2) (1 heterozygote, 0 homozygotes). (I) 0504 - Same amino acid change has been observed in placental mammals. (SB) 0600 - Variant is located in the annotated FH1 domain (PMID: 30442288). (I) 0705 - No comparable missense variants have previous evidence for pathogenicity. (I) 0807 - This variant has no previous evidence of pathogenicity. (I) 0905 - No published segregation evidence has been identified for this variant. (I) 1007 - No published functional evidence has been identified for this variant. (I) 1208 - Inheritance information for this variant is not currently available in this individual. (I) Legend: (SP) - Supporting pathogenic, (I) - Information, (SB) - Supporting benign

Literature cited by the submitters: PubMed 24088304; PubMed 30442288.